The following is an entry in ClinVar:

ClinVar aggregate classification (germline): Uncertain significance (1 of 4 stars; one submission).

Conditions:
Landau-Kleffner syndrome (FESD). Also called: APHASIA, ACQUIRED, WITH EPILEPSY; EPILEPSY, FOCAL, WITH SPEECH DISORDER AND WITH OR WITHOUT MENTAL RETARDATION. Identifiers: Orphanet 1945, Orphanet 725, Orphanet 98818, MedGen C0282512, MONDO:0009509, OMIM 245570.

Allele frequency attached by ClinVar (database versions not stated): ExAC 0.00001.
gnomAD v4.1: 13 of 1,614,132 alleles (0.00081%); highest among the groups gnomAD compares: Non-Finnish European, 0.0011%; no homozygotes.

Submission:

Labcorp Genetics (formerly Invitae), Labcorp
Classification: Uncertain significance for Landau-Kleffner syndrome. Last evaluated: 2023-01-22. Review status: criteria provided, single submitter. Criteria: Invitae Variant Classification Sherloc (09022015). Collection method: clinical testing. Allele origin: germline.
Comment: In summary, the available evidence is currently insufficient to determine the role of this variant in disease. Therefore, it has been classified as a Variant of Uncertain Significance. Advanced modeling of protein sequence and biophysical properties (such as structural, functional, and spatial information, amino acid conservation, physicochemical variation, residue mobility, and thermodynamic stability) performed at Invitae indicates that this missense variant is not expected to disrupt GRIN2A protein function. ClinVar contains an entry for this variant (Variation ID: 1360393). This variant has not been reported in the literature in individuals affected with GRIN2A-related conditions. This variant is present in population databases (rs770966136, gnomAD 0.002%). This sequence change replaces threonine, which is neutral and polar, with asparagine, which is neutral and polar, at codon 1223 of the GRIN2A protein (p.Thr1223Asn).

NM_001134407.3(GRIN2A):c.3668C>A (p.Thr1223Asn)

Gene: GRIN2A (glutamate ionotropic receptor NMDA type subunit 2A; minus strand). Cytogenetic location: 16p13.2.
Variant type: single nucleotide variant.
Coding change: c.3668C>A on transcript NM_001134407.3 (MANE Select); coding-DNA position 3668, C replaced by A.
Protein change: p.Thr1223Asn; replaces threonine 1223 with asparagine.
Molecular consequence: missense variant.
Genome position (GRCh38, 1-based): chr16:9,763,876, G>T on the plus strand (C>A on the coding strand, the complement: GRIN2A is on the minus strand). VCF-style: chr16-9763876-G-T. GRCh37 (hg19) VCF-style: chr16-9857733-G-T.
Other names: c.3668C>A, p.Thr1223Asn (NM_000833.5, NM_001134408.2); short protein forms T1223N.
Identifiers: ClinVar variation 1360393 (VCV001360393.8), dbSNP rs770966136, ClinGen allele CA7896266.